The following is an entry in ClinVar:

ClinVar aggregate classification (germline): Uncertain significance (1 of 4 stars; one submission).

Submission:

Labcorp Genetics (formerly Invitae), Labcorp
Classification: Uncertain significance. Last evaluated: 2025-10-22. Review status: criteria provided, single submitter. Criteria: Invitae Variant Classification Sherloc (09022015). Collection method: clinical testing. Allele origin: germline.
Comment: This sequence change creates a premature translational stop signal (p.Glu118Argfs*11) in the SAMD9 gene. While this is not anticipated to result in nonsense mediated decay, it is expected to disrupt the last 1472 amino acid(s) of the SAMD9 protein. This variant is not present in population databases (gnomAD no frequency). This variant has not been reported in the literature in individuals affected with SAMD9-related conditions. ClinVar contains an entry for this variant (Variation ID: 2124442). Algorithms developed to predict the effect of sequence changes on RNA splicing suggest that this variant may create or strengthen a splice site. In summary, the available evidence is currently insufficient to determine the role of this variant in disease. Therefore, it has been classified as a Variant of Uncertain Significance.

NM_017654.4(SAMD9):c.351del (p.Glu118fs)

Gene: SAMD9 (sterile alpha motif domain containing 9; minus strand). Cytogenetic location: 7q21.2.
Variant type: Deletion.
Coding change: c.351del on transcript NM_017654.4 (MANE Select); coding-DNA position 351, one base deleted (A; older notation c.351delA).
Protein change: p.Glu118fs; shifts the reading frame from glutamic acid 118.
Molecular consequence: frameshift variant.
Genome position (GRCh38, 1-based): chr7:93,105,747, T deleted on the plus strand (A on the coding strand, the reverse complement: SAMD9 is on the minus strand); the first of 3 consecutive T bases (chr7:93,105,747-93,105,749); deleting any one gives the same sequence. VCF-style (leftmost placement, unchanged base first): chr7-93105746-CT-C. GRCh37 (hg19) VCF-style: chr7-92735059-CT-C.
Other names: c.351del, p.Glu118fs (NM_001193307.2); short protein forms E118fs.
Identifiers: ClinVar variation 2124442 (VCV002124442.4), dbSNP rs2535363365, ClinGen allele CA2580077863.
Genomic context (GRCh38, chr7:93,105,746, plus strand): 5'-GTGACTTAGAACCTTTAGCAGTTGTACTCATTGCAGACGGATTAGCCATATCTGGGTTCT[CT>C]TTACCCTTTTGTTTTTGCTTTGAAGTTTCTCTACGTTCCTTTTGAGACACAGTTTGGTCT-3'